The following is an entry in ClinVar:

NM_001267550.2(TTN):c.61066C>T (p.Pro20356Ser)

Genes: TTN (titin; minus strand), TTN-AS1 (TTN antisense RNA 1; plus strand). Cytogenetic location: 2q31.2.
Variant type: single nucleotide variant.
Coding change: c.61066C>T on transcript NM_001267550.2 (MANE Select); coding-DNA position 61066, C replaced by T.
Protein change: p.Pro20356Ser; replaces proline 20356 with serine.
Molecular consequence: missense variant.
Genome position (GRCh38, 1-based): chr2:178,590,659, G>A on the plus strand (C>T on the coding strand, the complement: TTN is on the minus strand). VCF-style: chr2-178590659-G-A. GRCh37 (hg19) VCF-style: chr2-179455386-G-A.
Other names: c.56143C>T, p.Pro18715Ser (NM_001256850.1); c.33871C>T, p.Pro11291Ser (NM_003319.4); c.53362C>T, p.Pro17788Ser (NM_133378.4); c.34246C>T, p.Pro11416Ser (NM_133432.3); c.34447C>T, p.Pro11483Ser (NM_133437.4); short protein forms P11416S, P18715S, P11291S, P17788S, P11483S, P20356S.
Identifiers: ClinVar variation 1730856 (VCV001730856.2), dbSNP rs2469445364, ClinGen allele CA349476766.
Genomic context (GRCh38, chr2:178,590,659, plus strand): 5'-TAGGTGGTCCAGGTGGTTTGATGGGCCGGCAAGCTTTTATTGGATCAGAACTTGGGGATG[G>A]TTTGCTTAGTCCTGCAAGATTTTCAGCAAAAACTCTAAACTCATATGTATTTCCTTCATA-3'
Protein context (NP_001254479.2, residues 20346-20366): FAENLAGLSK[Pro20356Ser]SPSSDPIKAC

ClinVar aggregate classification (germline): Uncertain significance (1 of 4 stars; one submission).

Conditions:
Cardiovascular phenotype. Identifiers: MedGen CN230736.

Submission:

Ambry Genetics
Classification: Uncertain significance for Cardiovascular phenotype. Last evaluated: 2019-12-05. Review status: criteria provided, single submitter. Criteria: Ambry Variant Classification Scheme 2023. Collection method: clinical testing. Allele origin: germline.
Comment: The p.P11291S variant (also known as c.33871C>T), located in coding exon 131 of the TTN gene, results from a C to T substitution at nucleotide position 33871. The proline at codon 11291 is replaced by serine, an amino acid with similar properties. This amino acid position is highly conserved in available vertebrate species. In addition, this alteration is predicted to be tolerated by in silico analysis. Since supporting evidence is limited at this time, the clinical significance of this alteration remains unclear.